The following is an entry in ClinVar:

NM_005245.4(FAT1):c.1030C>T (p.Pro344Ser)

Gene: FAT1 (FAT atypical cadherin 1; minus strand). Cytogenetic location: 4q35.2.
Variant type: single nucleotide variant.
Coding change: c.1030C>T on transcript NM_005245.4 (MANE Select); coding-DNA position 1030, C replaced by T.
Protein change: p.Pro344Ser; replaces proline 344 with serine.
Molecular consequence: missense variant.
Genome position (GRCh38, 1-based): chr4:186,708,798, G>A on the plus strand (C>T on the coding strand, the complement: FAT1 is on the minus strand). VCF-style: chr4-186708798-G-A. GRCh37 (hg19) VCF-style: chr4-187629952-G-A.
Other names: short protein forms P344S.
Identifiers: ClinVar variation 1313991 (VCV001313991.3), dbSNP rs1744786329, ClinGen allele CA358990001.

ClinVar aggregate classification (germline): Uncertain significance. Review status: criteria provided, multiple submitters, no conflicts (2 of 4 stars). 2 submissions from 2 submitters: Uncertain significance (2). Last evaluated 2025-01-08.

Conditions:
Inborn genetic diseases. Identifiers: MedGen C0950123, MeSH D030342.

Allele frequency attached by ClinVar (database versions not stated): gnomAD exomes below 0.00001.
gnomAD v4.1: 3 of 1,613,980 alleles (0.00019%); highest among the groups gnomAD compares: African/African-American, 0.0013%; no homozygotes.

Submissions (2):

Ambry Genetics
Classification: Uncertain significance for Inborn genetic diseases. Last evaluated: 2025-01-08. Review status: criteria provided, single submitter. Criteria: Ambry Variant Classification Scheme 2023. Collection method: clinical testing. Allele origin: germline.

GeneDx
Classification: Uncertain significance. Last evaluated: 2021-01-07. Review status: criteria provided, single submitter. Criteria: GeneDx Variant Classification Process June 2021. Collection method: clinical testing. Allele origin: germline. Affected: yes.
Comment: Not observed in large population cohorts (Lek et al., 2016); In silico analysis supports that this missense variant has a deleterious effect on protein structure/function; Has not been previously published as pathogenic or benign to our knowledge